The following is an entry in ClinVar:

ClinVar aggregate classification (germline): Uncertain significance (1 of 4 stars; one submission).

Allele frequency attached by ClinVar (database versions not stated): TOPMed below 0.00001; gnomAD exomes 0.00001.
gnomAD v4.1: 4 of 1,586,798 alleles (0.00025%); highest among the groups gnomAD compares: Non-Finnish European, 0.00034%; no homozygotes.

Submission:

Greenwood Genetic Center Diagnostic Laboratories, Greenwood Genetic Center
Classification: Uncertain significance. Last evaluated: 2023-06-06. Review status: criteria provided, single submitter. Criteria: ACMG Guidelines, 2015. Collection method: clinical testing. Allele origin: germline. Affected: yes.
Comment: PM2

NM_004947.5(DOCK3):c.602T>C (p.Met201Thr)

Gene: DOCK3 (dedicator of cytokinesis 3; plus strand). Cytogenetic location: 3p21.2.
Variant type: single nucleotide variant.
Coding change: c.602T>C on transcript NM_004947.5 (MANE Select); coding-DNA position 602, T replaced by C.
Protein change: p.Met201Thr; replaces methionine 201 with threonine.
Molecular consequence: missense variant.
Genome position (GRCh38, 1-based): chr3:51,090,240, T>C. VCF-style: chr3-51090240-T-C. GRCh37 (hg19) VCF-style: chr3-51127671-T-C.
Other names: short protein forms M201T.
Identifiers: ClinVar variation 2572255 (VCV002572255.1), dbSNP rs2082588758, ClinGen allele CA353002816.
Genomic context (GRCh38, chr3:51,090,240, plus strand): 5'-ATAAAAAATAACTAAAATAAAAATCACTGGGTTTTTTTCTTCCTCATTAGGTAGATACAA[T>C]GCGCCCACGTCATGGGGAAACATGTCGGATGCCAGTGCCACATCACTTCTTCCTCAGCCT-3'
Protein context (NP_004938.1, residues 191-211): VQQSTSQVDT[Met201Thr]RPRHGETCRM